The following is an entry in ClinVar:

ClinVar aggregate classification (germline): Benign. Review status: criteria provided, multiple submitters, no conflicts (2 of 4 stars). 2 submissions from 2 submitters: Benign (2). Last evaluated 2018-06-16.

Allele frequency attached by ClinVar (database versions not stated): 1000 Genomes Project 0.01298; 1000 Genomes Project 30x 0.01374; gnomAD 0.01514 and 0.01634; ESP Exome Variant Server 0.01555; TOPMed 0.01772.
gnomAD v4.1: 4,618 of 1,575,236 alleles (0.29%); highest among the groups gnomAD compares: African/African-American, 4.9%; 101 homozygotes.

Submissions (2):

GeneDx
Classification: Benign. Last evaluated: 2018-06-16. Review status: criteria provided, single submitter. Criteria: GeneDx Variant Classification (06012015). Collection method: clinical testing. Allele origin: germline. Affected: yes.
Comment: This variant is considered likely benign or benign based on one or more of the following criteria: it is a conservative change, it occurs at a poorly conserved position in the protein, it is predicted to be benign by multiple in silico algorithms, and/or has population frequency not consistent with disease.

Breakthrough Genomics
Classification: Benign. Review status: criteria provided, single submitter. Criteria: ACMG Guidelines, 2015. Collection method: not provided. Allele origin: germline. Inheritance: Autosomal recessive inheritance. Affected: yes.

NM_001849.4(COL6A2):c.1117-56C>G

Gene: COL6A2 (collagen type VI alpha 2 chain; plus strand). Cytogenetic location: 21q22.3.
Variant type: single nucleotide variant.
Coding change: c.1117-56C>G on transcript NM_001849.4 (MANE Select); 56 bases into the intron before coding-DNA position 1117, C replaced by G.
Molecular consequence: intron variant.
Genome position (GRCh38, 1-based): chr21:46,118,558, C>G. VCF-style: chr21-46118558-C-G. GRCh37 (hg19) VCF-style: chr21-47538472-C-G.
Other names: c.1117-56C>G (NM_058175.3, NM_058174.3).
Identifiers: ClinVar variation 679822 (VCV000679822.2), dbSNP rs79332626, ClinGen allele CA321964927.